The following is an entry in ClinVar:

NM_000129.4(F13A1):c.1861G>T (p.Ala621Ser)

Gene: F13A1 (coagulation factor XIII A chain; minus strand). Cytogenetic location: 6p25.1.
Variant type: single nucleotide variant.
Coding change: c.1861G>T on transcript NM_000129.4 (MANE Select); coding-DNA position 1861, G replaced by T.
Protein change: p.Ala621Ser; replaces alanine 621 with serine.
Molecular consequence: missense variant.
Genome position (GRCh38, 1-based): chr6:6,167,505, C>A on the plus strand (G>T on the coding strand, the complement: F13A1 is on the minus strand). VCF-style: chr6-6167505-C-A. GRCh37 (hg19) VCF-style: chr6-6167738-C-A.
Other names: short protein forms A621S.
Identifiers: ClinVar variation 910504 (VCV000910504.6), dbSNP rs145180358, ClinGen allele CA3624220.

ClinVar aggregate classification (germline): Uncertain significance. Review status: criteria provided, multiple submitters, no conflicts (2 of 4 stars). 3 submissions from 3 submitters: Uncertain significance (2). 1 of the submissions does not count toward it. Last evaluated 2021-10-25.

Conditions:
Factor XIII, A subunit, deficiency of. Also called: Factor XIII subunit A deficiency. Identifiers: Orphanet 331, MedGen C2750514, MONDO:0013187, OMIM 613225, HP:0040233.
Thrombophilia due to thrombin defect (THPH1). Also called: Thrombosis susceptibility; THROMBOPHILIA DUE TO FACTOR 2 DEFECT; Prothrombin-Related Thrombophilia (Factor II); Prothrombin Thrombophilia. Identifiers: MedGen C3160733, MONDO:0008559, OMIM 188050. Disease mechanism: loss of function, gain of function.
Myocardial infarction, susceptibility to. Identifiers: MedGen C1832662, MONDO:0012039, OMIM 608446.
F13A1-related disorder. Also called: F13A1-related condition.

Allele frequency attached by ClinVar (database versions not stated): ExAC 0.00045; gnomAD 0.00052 and 0.00053; gnomAD exomes 0.00063 and 0.00076.
gnomAD v4.1: 1,198 of 1,613,914 alleles (0.074%); highest among the groups gnomAD compares: Admixed American, 0.082%; no homozygotes.

Submissions (3):

Fulgent Genetics
Classification: Uncertain significance for Thrombophilia due to thrombin defect; Myocardial infarction, susceptibility to; Factor XIII, A subunit, deficiency of. Last evaluated: 2021-10-25. Review status: criteria provided, single submitter. Criteria: ACMG Guidelines, 2015. Collection method: clinical testing. Allele origin: unknown.

Illumina Laboratory Services, Illumina
Classification: Uncertain significance for Factor XIII, A subunit, deficiency of. Last evaluated: 2018-01-12. Review status: criteria provided, single submitter. Criteria: ICSL Variant Classification Criteria 13 December 2019. Collection method: clinical testing. Allele origin: germline.

PreventionGenetics, part of Exact Sciences
Classification: Likely benign for F13A1-related condition. Last evaluated: 2024-03-04. Review status: no assertion criteria provided. Collection method: clinical testing. Allele origin: germline. Not counted in ClinVar's aggregate classification.
Comment: This variant is classified as likely benign based on ACMG/AMP sequence variant interpretation guidelines (Richards et al. 2015 PMID: 25741868, with internal and published modifications).